The following is an entry in ClinVar:

NC_000002.11:g.(?_152490172)_(152500335_?)del

Gene: NEB (nebulin; minus strand). Cytogenetic location: 2q23.3.
Variant type: Deletion.
Identifiers: ClinVar variation 3247270 (VCV003247270.1).

ClinVar aggregate classification (germline): Pathogenic (1 of 4 stars; one submission).

Conditions:
Nemaline myopathy 2 (NEM2). Also called: Nemaline myopathy 2, autosomal recessive. Identifiers: MedGen C1850569, MONDO:0009725, OMIM 256030.

Submission:

Labcorp Genetics (formerly Invitae), Labcorp
Classification: Pathogenic for Nemaline myopathy 2. Last evaluated: 2023-08-23. Review status: criteria provided, single submitter. Criteria: Invitae Variant Classification Sherloc (09022015). Collection method: clinical testing. Allele origin: unknown.
Comment: This variant has not been reported in the literature in individuals affected with NEB-related conditions. This variant results in the deletion of exons 58-64 and part of exons 57 and 65 (c.7953_9410del) of the NEB gene. This variant would be expected to be in-frame, preserving the integrity of the reading frame. Experimental studies and prediction algorithms are not available or were not evaluated, and the functional significance of this variant is currently unknown. This variant disrupts a region of the NEB protein in which other variant(s) (p.Tyr2794Phe) have been determined to be pathogenic (PMID: 25205138; Invitae). This suggests that this is a clinically significant region of the protein, and that variants that disrupt it are likely to be disease-causing. For these reasons, this variant has been classified as Pathogenic.

Literature cited by the submitters: PubMed 25205138.